The following is an entry in ClinVar:

ClinVar aggregate classification (germline): Uncertain significance (1 of 4 stars; one submission).

Conditions:
H syndrome. Also called: Asrar Facharzt Haque syndrome; FAISALABAD HISTIOCYTOSIS; Histiocytosis with joint contractures and sensorineural deafness; Pigmented hypertrichosis and insulin-dependent diabetes mellitus; HISTIOCYTOSIS AND LYMPHADENOPATHY WITH OR WITHOUT CUTANEOUS, CARDIAC, AND/OR ENDOCRINE FEATURES, JOINT CONTRACTURES, AND/OR DEAFNESS; HYPERPIGMENTATION, CUTANEOUS, WITH HYPERTRICHOSIS, HEPATOSPLENOMEGALY, HEART ANOMALIES, AND HYPOGONADISM WITH OR WITHOUT HEARING LOSS. Identifiers: Orphanet 168569, MedGen C1864445, MONDO:0011273, OMIM 602782.

Submission:

Labcorp Genetics (formerly Invitae), Labcorp
Classification: Uncertain significance for H syndrome. Last evaluated: 2022-05-29. Review status: criteria provided, single submitter. Criteria: Invitae Variant Classification Sherloc (09022015). Collection method: clinical testing. Allele origin: germline.
Comment: This variant has not been reported in the literature in individuals affected with SLC29A3-related conditions. Experimental studies and prediction algorithms are not available or were not evaluated, and the functional significance of this variant is currently unknown. In summary, the available evidence is currently insufficient to determine the role of this variant in disease. Therefore, it has been classified as a Variant of Uncertain Significance. This variant is not present in population databases (gnomAD no frequency). This variant, c.911_913del, results in the deletion of 1 amino acid(s) of the SLC29A3 protein (p.Lys304del), but otherwise preserves the integrity of the reading frame.

NM_018344.6(SLC29A3):c.908AGA[1] (p.Lys304del)

Gene: SLC29A3 (solute carrier family 29 member 3; plus strand). Cytogenetic location: 10q22.1.
Variant type: Microsatellite.
Coding change: c.908AGA[1] on transcript NM_018344.6 (MANE Select); one copy of the 3-base unit AGA starting at c.908; the reference has two copies in a row; one copy, 3 bases deleted.
Protein change: p.Lys304del; deletes lysine 304.
Molecular consequence: inframe deletion. On other transcripts: 3 prime UTR variant (1), non-coding transcript variant (2).
Genome position (GRCh38, 1-based): chr10:71,362,091-71,362,093, AGA deleted; deleting any 3 consecutive bases within chr10:71,362,086-71,362,093 gives the same sequence; the position shown is the placement nearest the transcript's 3' end. VCF-style (leftmost placement, unchanged base first): chr10-71362085-TGAA-T. GRCh37 (hg19) VCF-style: chr10-73121842-TGAA-T.
Other names: c.*137AGA[1] (NM_001174098.2); c.674AGA[1], p.Lys226del (NM_001363518.2); short protein forms K304del, K226del.
Identifiers: ClinVar variation 2000721 (VCV002000721.4), dbSNP rs2492504393, ClinGen allele CA2580615499.
Genomic context (GRCh38, chr10:71,362,085, plus strand): 5'-GTGCCCCTTCGGTGGCCTCCAGATTCATTGATTCCCACACACCCCCTCTCCGCCCCATCC[TGAA>T]GAAGACGGCCAGCCTGGGCTTCTGTGTCACCTACGTCTTCTTCATCACCAGCCTCATCTA-3'